The following is an entry in ClinVar:

NM_001256789.3(CACNA1F):c.3895G>A (p.Gly1299Ser)

Gene: CACNA1F (calcium voltage-gated channel subunit alpha1 F; minus strand). Cytogenetic location: Xp11.23.
Variant type: single nucleotide variant.
Coding change: c.3895G>A on transcript NM_001256789.3 (MANE Select); coding-DNA position 3895, G replaced by A.
Protein change: p.Gly1299Ser; replaces glycine 1299 with serine.
Molecular consequence: missense variant.
Genome position (GRCh38, 1-based): chrX:49,212,714, C>T on the plus strand (G>A on the coding strand, the complement: CACNA1F is on the minus strand). VCF-style: chrX-49212714-C-T. GRCh37 (hg19) VCF-style: chrX-49069174-C-T.
Other names: c.3733G>A, p.Gly1245Ser (NM_001256790.3); c.3928G>A, p.Gly1310Ser (NM_005183.4); short protein forms G1299S, G1245S, G1310S.
Identifiers: ClinVar variation 963758 (VCV000963758.11), dbSNP rs1041549749, ClinGen allele CA412962311.
Genomic context (GRCh38, chrX:49,212,714, plus strand): 5'-GGTAGGGGATTACCTGGAAGGACTTGATGAATGTCCAGAGCAATGTGCGGATCCCTTCAC[C>T]CTTACTGAGAAGCTTGACCAGCCGCATAACTCGGAAGAGGCGAAAGAAGGTAATGGAAAT-3'
Protein context (NP_001243718.1, residues 1289-1309): VMRLVKLLSK[Gly1299Ser]EGIRTLLWTF

ClinVar aggregate classification (germline): Uncertain significance. Review status: criteria provided, multiple submitters, no conflicts (2 of 4 stars). 2 submissions from 2 submitters: Uncertain significance (2). Last evaluated 2024-11-07.

Allele frequency attached by ClinVar (database versions not stated): gnomAD 0.00002; gnomAD exomes 0.00002; TOPMed 0.00002.

Submissions (2):

Blueprint Genetics
Classification: Uncertain significance. Last evaluated: 2024-11-07. Review status: criteria provided, single submitter. Criteria: ACMG Guidelines, 2015. Collection method: clinical testing. Allele origin: germline.

Labcorp Genetics (formerly Invitae), Labcorp
Classification: Uncertain significance. Last evaluated: 2022-06-27. Review status: criteria provided, single submitter. Criteria: Invitae Variant Classification Sherloc (09022015). Collection method: clinical testing. Allele origin: germline.
Comment: This sequence change replaces glycine, which is neutral and non-polar, with serine, which is neutral and polar, at codon 1310 of the CACNA1F protein (p.Gly1310Ser). This variant is present in population databases (no rsID available, gnomAD 0.004%). This variant has not been reported in the literature in individuals affected with CACNA1F-related conditions. ClinVar contains an entry for this variant (Variation ID: 963758). Algorithms developed to predict the effect of missense changes on protein structure and function (SIFT, PolyPhen-2, Align-GVGD) all suggest that this variant is likely to be disruptive. In summary, the available evidence is currently insufficient to determine the role of this variant in disease. Therefore, it has been classified as a Variant of Uncertain Significance.